The following is an entry in ClinVar:

NM_005763.4(AASS):c.2516G>A (p.Arg839Lys)

Gene: AASS (aminoadipate-semialdehyde synthase; minus strand). Cytogenetic location: 7q31.32.
Variant type: single nucleotide variant.
Coding change: c.2516G>A on transcript NM_005763.4 (MANE Select); coding-DNA position 2516, G replaced by A.
Protein change: p.Arg839Lys; replaces arginine 839 with lysine.
Molecular consequence: missense variant.
Genome position (GRCh38, 1-based): chr7:122,077,984, C>T on the plus strand (G>A on the coding strand, the complement: AASS is on the minus strand). VCF-style: chr7-122077984-C-T. GRCh37 (hg19) VCF-style: chr7-121718038-C-T.
Other names: short protein forms R839K.
Identifiers: ClinVar variation 1405832 (VCV001405832.6), dbSNP rs2150506255, ClinGen allele CA369029764.

ClinVar aggregate classification (germline): Uncertain significance (1 of 4 stars; one submission).

Submission:

Labcorp Genetics (formerly Invitae), Labcorp
Classification: Uncertain significance. Last evaluated: 2022-07-05. Review status: criteria provided, single submitter. Criteria: Invitae Variant Classification Sherloc (09022015). Collection method: clinical testing. Allele origin: germline.
Comment: This sequence change replaces arginine, which is basic and polar, with lysine, which is basic and polar, at codon 839 of the AASS protein (p.Arg839Lys). This variant is not present in population databases (gnomAD no frequency). ClinVar contains an entry for this variant (Variation ID: 1405832). This variant has not been reported in the literature in individuals affected with AASS-related conditions. Algorithms developed to predict the effect of missense changes on protein structure and function are either unavailable or do not agree on the potential impact of this missense change (SIFT: "Tolerated"; PolyPhen-2: "Probably Damaging"; Align-GVGD: "Class C0"). In summary, the available evidence is currently insufficient to determine the role of this variant in disease. Therefore, it has been classified as a Variant of Uncertain Significance.